The following is an entry in ClinVar:

ClinVar aggregate classification (germline): Uncertain significance (1 of 4 stars; one submission).

Submission:

Labcorp Genetics (formerly Invitae), Labcorp
Classification: Uncertain significance. Last evaluated: 2023-12-18. Review status: criteria provided, single submitter. Criteria: Invitae Variant Classification Sherloc (09022015). Collection method: clinical testing. Allele origin: unknown.
Comment: A copy number gain of the genomic region encompassing the full coding sequence of the DIAPH3 gene has been identified. The boundaries of this event are unknown as they extend beyond the assayed region for this gene and therefore may encompass additional genes. As the precise location of this event is unknown, it may be in tandem or it may be located elsewhere in the genome. This variant has not been reported in the literature in individuals affected with DIAPH3-related conditions. In summary, the available evidence is currently insufficient to determine the role of this variant in disease. Therefore, it has been classified as a Variant of Uncertain Significance.

NC_000013.10:g.(?_60240718)_(60738073_?)dup

Gene: DIAPH3 (diaphanous related formin 3; minus strand). Cytogenetic location: 13q21.2.
Variant type: Duplication.
Identifiers: ClinVar variation 3244201 (VCV003244201.1).